The following is an entry in ClinVar:

ClinVar aggregate classification (germline): Pathogenic (1 of 4 stars; one submission).

Submission:

Labcorp Genetics (formerly Invitae), Labcorp
Classification: Pathogenic. Last evaluated: 2023-09-08. Review status: criteria provided, single submitter. Criteria: Invitae Variant Classification Sherloc (09022015). Collection method: clinical testing. Allele origin: germline.
Comment: This variant is a gross deletion of the genomic region encompassing exon(s) 2 of the TBCE gene, which includes the initiator codon. This deletion extends beyond the assayed region for this gene and therefore may encompass additional genes. It is expected to result in an absent or disrupted protein product. Loss-of-function variants in TBCE are known to be pathogenic (PMID: 27666369, 34134906, 34356170). This variant has not been reported in the literature in individuals affected with TBCE-related conditions. For these reasons, this variant has been classified as Pathogenic.

Literature cited by the submitters: PubMed 27666369; PubMed 34134906; PubMed 34356170.

NC_000001.10:g.(?_235543365)_(235543474_?)del

Gene: TBCE (tubulin folding cofactor E; plus strand). Cytogenetic location: 1q42.3.
Variant type: Deletion.
Identifiers: ClinVar variation 1007432 (VCV001007432.5).